The following is an entry in ClinVar:

ClinVar aggregate classification (germline): Uncertain significance (1 of 4 stars; one submission).

Conditions:
Cohen-Gibson syndrome (COGIS). Also called: EED-Related Overgrowth. Identifiers: Orphanet 659396, MedGen C4479654, MONDO:0060510, OMIM 617561.

Submission:

Labcorp Genetics (formerly Invitae), Labcorp
Classification: Uncertain significance for Cohen-Gibson syndrome. Last evaluated: 2025-10-19. Review status: criteria provided, single submitter. Criteria: Invitae Variant Classification Sherloc (09022015). Collection method: clinical testing. Allele origin: germline.
Comment: This sequence change replaces proline, which is neutral and non-polar, with leucine, which is neutral and non-polar, at codon 282 of the EED protein (p.Pro282Leu). This variant is not present in population databases (gnomAD no frequency). This variant has not been reported in the literature in individuals affected with EED-related conditions. An algorithm developed to predict the effect of missense changes on protein structure and function (PolyPhen-2) suggests that this variant is likely to be tolerated. In summary, the available evidence is currently insufficient to determine the role of this variant in disease. Therefore, it has been classified as a Variant of Uncertain Significance.

NM_003797.5(EED):c.845C>T (p.Pro282Leu)

Gene: EED (embryonic ectoderm development; plus strand). Cytogenetic location: 11q14.2.
Variant type: single nucleotide variant.
Coding change: c.845C>T on transcript NM_003797.5 (MANE Select); coding-DNA position 845, C replaced by T.
Protein change: p.Pro282Leu; replaces proline 282 with leucine.
Molecular consequence: missense variant. On other transcripts: intron variant (3).
Genome position (GRCh38, 1-based): chr11:86,266,201, C>T. VCF-style: chr11-86266201-C-T. GRCh37 (hg19) VCF-style: chr11-85977243-C-T.
Other names: c.845C>T, p.Pro282Leu (NM_001308007.2, NM_001440586.1, NM_001440588.1 and 5 more transcripts); c.752C>T, p.Pro251Leu (NM_001440587.1, NM_001440594.1, NM_001440600.1); c.779C>T, p.Pro260Leu (NM_001440591.1); c.599C>T, p.Pro200Leu (NM_001440598.1, NM_001440601.1); c.653C>T, p.Pro218Leu (NM_001440599.1); c.726+1938C>T (NM_001440603.1, NM_001330334.2); c.633+1938C>T (NM_001440602.1); short protein forms P200L, P251L, P218L, P260L, P282L.
Identifiers: ClinVar variation 4729147 (VCV004729147.1).